The following is an entry in ClinVar:

ClinVar aggregate classification (germline): Likely benign (1 of 4 stars; one submission).

Allele frequency attached by ClinVar (database versions not stated): gnomAD exomes 0.00020; ExAC 0.00070; gnomAD 0.00204; TOPMed 0.00213; ESP Exome Variant Server 0.00300; 1000 Genomes Project 0.00359; 1000 Genomes Project 30x 0.00406.
gnomAD v4.1: 600 of 1,590,102 alleles (0.038%); highest among the groups gnomAD compares: African/African-American, 0.77%; 2 homozygotes.

Submission:

CeGaT Center for Human Genetics Tuebingen
Classification: Likely benign. Last evaluated: 2022-03-01. Review status: criteria provided, single submitter. Criteria: CeGaT Center For Human Genetics Tuebingen Variant Classification Criteria Version 2. Collection method: clinical testing. Allele origin: germline. Affected: yes. Observed: 1 variant allele.
Comment: RCN2: BP4, BP7

NM_002902.3(RCN2):c.804G>A (p.Ala268=)

Gene: RCN2 (reticulocalbin 2; plus strand). Cytogenetic location: 15q24.3.
Variant type: single nucleotide variant.
Coding change: c.804G>A on transcript NM_002902.3 (MANE Select); coding-DNA position 804, G replaced by A.
Protein change: p.Ala268=; no amino-acid change (alanine 268 retained).
Molecular consequence: synonymous variant.
Genome position (GRCh38, 1-based): chr15:76,949,072, G>A. VCF-style: chr15-76949072-G-A. GRCh37 (hg19) VCF-style: chr15-77241413-G-A.
Other names: c.858G>A, p.Ala286= (NM_001271837.2).
Identifiers: ClinVar variation 2645587 (VCV002645587.24), dbSNP rs58665121, ClinGen allele CA7675549.
Genomic context (GRCh38, chr15:76,949,072, plus strand): 5'-GTGAACATCTTGCTGAAAATACTTATTACACTTGACACTTTTTTGTTTTATTTTGAAGGC[G>A]CTTCATCTAATTGATGAAATGGATTTGAATGGTGACAAAAAGCTCTCTGAAGAAGAGATT-3'
Protein context (NP_002893.1, residues 258-278): PNNQGIAQEE[Ala268=]LHLIDEMDLN